The following is an entry in ClinVar:

NM_001256789.3(CACNA1F):c.5585G>A (p.Arg1862His)

Gene: CACNA1F (calcium voltage-gated channel subunit alpha1 F; minus strand). Cytogenetic location: Xp11.23.
Variant type: single nucleotide variant.
Coding change: c.5585G>A on transcript NM_001256789.3 (MANE Select); coding-DNA position 5585, G replaced by A.
Protein change: p.Arg1862His; replaces arginine 1862 with histidine.
Molecular consequence: missense variant.
Genome position (GRCh38, 1-based): chrX:49,205,701, C>T on the plus strand (G>A on the coding strand, the complement: CACNA1F is on the minus strand). VCF-style: chrX-49205701-C-T. GRCh37 (hg19) VCF-style: chrX-49062161-C-T.
Other names: c.5423G>A, p.Arg1808His (NM_001256790.3); c.5618G>A, p.Arg1873His (NM_005183.4); short protein forms R1862H, R1808H, R1873H.
Identifiers: ClinVar variation 2977877 (VCV002977877.4), dbSNP rs782778888, ClinGen allele CA10409944.

ClinVar aggregate classification (germline): Uncertain significance. Review status: criteria provided, multiple submitters, no conflicts (2 of 4 stars). 2 submissions from 2 submitters: Uncertain significance (2). Last evaluated 2024-06-25.

Allele frequency attached by ClinVar (database versions not stated): gnomAD 0.00001; gnomAD exomes 0.00001; TOPMed 0.00002; ExAC 0.00004.
gnomAD v4.1: 13 of 1,202,408 alleles (0.0011%); highest among the groups gnomAD compares: East Asian, 0.012%; no homozygotes.

Submissions (2):

Labcorp Genetics (formerly Invitae), Labcorp
Classification: Uncertain significance. Last evaluated: 2024-06-25. Review status: criteria provided, single submitter. Criteria: Invitae Variant Classification Sherloc (09022015). Collection method: clinical testing. Allele origin: germline.
Comment: This sequence change replaces arginine, which is basic and polar, with histidine, which is basic and polar, at codon 1873 of the CACNA1F protein (p.Arg1873His). This variant is present in population databases (rs782778888, gnomAD 0.02%). This variant has not been reported in the literature in individuals affected with CACNA1F-related conditions. Algorithms developed to predict the effect of missense changes on protein structure and function output the following: SIFT: "Not Available"; PolyPhen-2: "Benign"; Align-GVGD: "Not Available". The histidine amino acid residue is found in multiple mammalian species, which suggests that this missense change does not adversely affect protein function. In summary, the available evidence is currently insufficient to determine the role of this variant in disease. Therefore, it has been classified as a Variant of Uncertain Significance.

Blueprint Genetics
Classification: Uncertain significance. Last evaluated: 2023-09-27. Review status: criteria provided, single submitter. Criteria: ACMG Guidelines, 2015. Collection method: clinical testing. Allele origin: germline.